The following is an entry in ClinVar:

NM_024753.5(TTC21B):c.1415C>T (p.Pro472Leu)

Gene: TTC21B (tetratricopeptide repeat domain 21B; minus strand). Cytogenetic location: 2q24.3.
Variant type: single nucleotide variant.
Coding change: c.1415C>T on transcript NM_024753.5 (MANE Select); coding-DNA position 1415, C replaced by T.
Protein change: p.Pro472Leu; replaces proline 472 with leucine.
Molecular consequence: missense variant.
Genome position (GRCh38, 1-based): chr2:165,924,650, G>A on the plus strand (C>T on the coding strand, the complement: TTC21B is on the minus strand). VCF-style: chr2-165924650-G-A. GRCh37 (hg19) VCF-style: chr2-166781160-G-A.
Other names: short protein forms P472L.
Identifiers: ClinVar variation 1959491 (VCV001959491.5), dbSNP rs2468197624, ClinGen allele CA349062399.

ClinVar aggregate classification (germline): Uncertain significance (1 of 4 stars; one submission).

Conditions:
Jeune thoracic dystrophy. Also called: Short-rib thoracic dysplasia; Jeune syndrome; Infantile thoracic dystrophy; Thoracic pelvic phalangeal dystrophy; Jeune's syndrome; Chondroectodermal dysplasia-like syndrome. Identifiers: Orphanet 474, MedGen C0265275, MONDO:0018770.
Nephronophthisis. Also called: Juvenile Nephronophthisis. Identifiers: Orphanet 655, MedGen C0687120, MONDO:0019005, HP:0000090.

Submission:

Labcorp Genetics (formerly Invitae), Labcorp
Classification: Uncertain significance for Jeune thoracic dystrophy; Nephronophthisis. Last evaluated: 2022-08-09. Review status: criteria provided, single submitter. Criteria: Invitae Variant Classification Sherloc (09022015). Collection method: clinical testing. Allele origin: germline.
Comment: In summary, the available evidence is currently insufficient to determine the role of this variant in disease. Therefore, it has been classified as a Variant of Uncertain Significance. Algorithms developed to predict the effect of missense changes on protein structure and function are either unavailable or do not agree on the potential impact of this missense change (SIFT: "Deleterious"; PolyPhen-2: "Benign"; Align-GVGD: "Class C15"). This variant has not been reported in the literature in individuals affected with TTC21B-related conditions. This variant is not present in population databases (gnomAD no frequency). This sequence change replaces proline, which is neutral and non-polar, with leucine, which is neutral and non-polar, at codon 472 of the TTC21B protein (p.Pro472Leu).